The following is an entry in ClinVar:

ClinVar aggregate classification (germline): Conflicting classifications of pathogenicity. Review status: criteria provided, conflicting classifications (1 of 4 stars). 5 submissions from 5 submitters: Uncertain significance (2); Likely benign (2). 1 of the submissions does not count toward it. Last evaluated 2024-09-23.

Conditions:
ARHGAP31-related disorder. Also called: ARHGAP31-related condition.
Inborn genetic diseases. Identifiers: MedGen C0950123, MeSH D030342.

Allele frequency attached by ClinVar (database versions not stated): TOPMed 0.00014; gnomAD 0.00016; 1000 Genomes Project 30x 0.00031; ESP Exome Variant Server 0.00032; 1000 Genomes Project 0.00040.
gnomAD v4.1: 77 of 1,614,018 alleles (0.0048%); highest among the groups gnomAD compares: African/African-American, 0.059%; no homozygotes.

Submissions (5):

Blueprint Genetics
Classification: Likely benign. Last evaluated: 2024-09-23. Review status: criteria provided, single submitter. Criteria: ACMG Guidelines, 2015. Collection method: clinical testing. Allele origin: germline.

Women's Health and Genetics/Laboratory Corporation of America, LabCorp
Classification: Uncertain significance. Last evaluated: 2024-04-15. Review status: criteria provided, single submitter. Criteria: LabCorp Variant Classification Summary - May 2015. Collection method: clinical testing. Allele origin: germline.
Comment: Variant summary: ARHGAP31 c.1267G>C (p.Ala423Pro) results in a non-conservative amino acid change in the encoded protein sequence. Four of five in-silico tools predict a benign effect of the variant on protein function. The variant allele was found at a frequency of 4.8e-05 in 1614018 control chromosomes, predominantly at a frequency of 0.00059 within the African or African-American subpopulation in the gnomAD database (v4.0.0). To our knowledge, no occurrence of c.1267G>C in individuals affected with Adams-Oliver Syndrome 1 and no experimental evidence demonstrating its impact on protein function have been reported. ClinVar contains an entry for this variant (Variation ID: 2071281). Based on the evidence outlined above, the variant was classified as uncertain significance.

Labcorp Genetics (formerly Invitae), Labcorp
Classification: Uncertain significance. Last evaluated: 2022-05-25. Review status: criteria provided, single submitter. Criteria: Invitae Variant Classification Sherloc (09022015). Collection method: clinical testing. Allele origin: germline.
Comment: This sequence change replaces alanine, which is neutral and non-polar, with proline, which is neutral and non-polar, at codon 423 of the ARHGAP31 protein (p.Ala423Pro). This variant is present in population databases (rs200205441, gnomAD 0.05%), and has an allele count higher than expected for a pathogenic variant. This variant has not been reported in the literature in individuals affected with ARHGAP31-related conditions. Algorithms developed to predict the effect of missense changes on protein structure and function output the following: SIFT: "Tolerated"; PolyPhen-2: "Benign"; Align-GVGD: "Class C0". The proline amino acid residue is found in multiple mammalian species, which suggests that this missense change does not adversely affect protein function. In summary, the available evidence is currently insufficient to determine the role of this variant in disease. Therefore, it has been classified as a Variant of Uncertain Significance.

Ambry Genetics
Classification: Likely benign for Inborn genetic diseases. Last evaluated: 2022-02-25. Review status: criteria provided, single submitter. Criteria: Ambry Variant Classification Scheme 2023. Collection method: clinical testing. Allele origin: germline.

PreventionGenetics, part of Exact Sciences
Classification: Likely benign for ARHGAP31-related condition. Last evaluated: 2024-07-16. Review status: no assertion criteria provided. Collection method: clinical testing. Allele origin: germline. Not counted in ClinVar's aggregate classification.
Comment: This variant is classified as likely benign based on ACMG/AMP sequence variant interpretation guidelines (Richards et al. 2015 PMID: 25741868, with internal and published modifications).

NM_020754.4(ARHGAP31):c.1267G>C (p.Ala423Pro)

Gene: ARHGAP31 (Rho GTPase activating protein 31; plus strand). Cytogenetic location: 3q13.33.
Variant type: single nucleotide variant.
Coding change: c.1267G>C on transcript NM_020754.4 (MANE Select); coding-DNA position 1267, G replaced by C.
Protein change: p.Ala423Pro; replaces alanine 423 with proline.
Molecular consequence: missense variant.
Genome position (GRCh38, 1-based): chr3:119,402,019, G>C. VCF-style: chr3-119402019-G-C. GRCh37 (hg19) VCF-style: chr3-119120866-G-C.
Other names: c.1267G>C (NM_020754.3); short protein forms A423P.
Identifiers: ClinVar variation 2071281 (VCV002071281.5), dbSNP rs200205441, ClinGen allele CA2553789.